The following is an entry in ClinVar:

NM_001378778.1(MPDZ):c.5291G>T (p.Gly1764Val)

Gene: MPDZ (multiple PDZ domain crumbs cell polarity complex component; minus strand). Cytogenetic location: 9p23.
Variant type: single nucleotide variant.
Coding change: c.5291G>T on transcript NM_001378778.1 (MANE Select); coding-DNA position 5291, G replaced by T.
Protein change: p.Gly1764Val; replaces glycine 1764 with valine.
Molecular consequence: missense variant.
Genome position (GRCh38, 1-based): chr9:13,119,590, C>A on the plus strand (G>T on the coding strand, the complement: MPDZ is on the minus strand). VCF-style: chr9-13119590-C-A. GRCh37 (hg19) VCF-style: chr9-13119589-C-A.
Other names: c.5192G>T, p.Gly1731Val (NM_001261406.2, NM_001261407.2, NM_001375416.1 and 3 more transcripts); c.5291G>T, p.Gly1764Val (NM_001330637.2, NM_003829.5); c.5390G>T, p.Gly1797Val (NM_001375413.1); c.5081G>T, p.Gly1694Val (NM_001375420.1, NM_001375421.1, NM_001375422.1 and 4 more transcripts); c.4883G>T, p.Gly1628Val (NM_001375427.1); short protein forms G1731V, G1628V, G1764V, G1694V, G1797V.
Identifiers: ClinVar variation 2135225 (VCV002135225.4), dbSNP rs1216087960, ClinGen allele CA372943646.

ClinVar aggregate classification (germline): Uncertain significance (1 of 4 stars; one submission).

Allele frequency attached by ClinVar (database versions not stated): gnomAD 0.00001.
gnomAD v4.1: 4 of 1,613,894 alleles (0.00025%); highest among the groups gnomAD compares: South Asian, 0.0022%; no homozygotes.

Submission:

Labcorp Genetics (formerly Invitae), Labcorp
Classification: Uncertain significance. Last evaluated: 2026-01-12. Review status: criteria provided, single submitter. Criteria: Invitae Variant Classification Sherloc (09022015). Collection method: clinical testing. Allele origin: germline.
Comment: This sequence change replaces glycine, which is neutral and non-polar, with valine, which is neutral and non-polar, at codon 1764 of the MPDZ protein (p.Gly1764Val). This variant is present in population databases (no rsID available, gnomAD 0.0009%). This variant has not been reported in the literature in individuals affected with MPDZ-related conditions. ClinVar contains an entry for this variant (Variation ID: 2135225). An algorithm developed to predict the effect of missense changes on protein structure and function (PolyPhen-2) suggests that this variant is likely to be disruptive. In summary, the available evidence is currently insufficient to determine the role of this variant in disease. Therefore, it has been classified as a Variant of Uncertain Significance.